The following is an entry in ClinVar:

ClinVar aggregate classification (germline): Benign/Likely benign. Review status: criteria provided, multiple submitters, no conflicts (2 of 4 stars). 4 submissions from 4 submitters: Benign (2); Likely benign (2). Last evaluated 2026-06-01.

Allele frequency attached by ClinVar (database versions not stated): ESP Exome Variant Server 0.00072; 1000 Genomes Project 30x 0.00094; 1000 Genomes Project 0.00120; gnomAD exomes 0.00121 and 0.00212; gnomAD 0.00158 and 0.00162; ExAC 0.00168; TOPMed 0.00190.
gnomAD v4.1: 2,134 of 1,614,032 alleles (0.13%); highest among the groups gnomAD compares: Middle Eastern, 0.51%; 12 homozygotes.

Submissions (4):

CeGaT Center for Human Genetics Tuebingen
Classification: Likely benign. Last evaluated: 2026-06-01. Review status: criteria provided, single submitter. Criteria: CeGaT Center For Human Genetics Tuebingen Variant Classification Criteria Version 2. Collection method: clinical testing. Allele origin: germline. Affected: yes. Observed: 1 variant allele.
Comment: HTT: BP4, BP7

Labcorp Genetics (formerly Invitae), Labcorp
Classification: Benign. Last evaluated: 2025-12-01. Review status: criteria provided, single submitter. Criteria: Invitae Variant Classification Sherloc (09022015). Collection method: clinical testing. Allele origin: germline.

Blueprint Genetics
Classification: Likely benign. Last evaluated: 2024-11-25. Review status: criteria provided, single submitter. Criteria: ACMG Guidelines, 2015. Collection method: clinical testing. Allele origin: germline.

Breakthrough Genomics
Classification: Benign. Review status: criteria provided, single submitter. Criteria: ACMG Guidelines, 2015. Collection method: not provided. Allele origin: germline. Inheritance: Autosomal recessive inheritance. Affected: yes.

NM_001388492.1(HTT):c.7671G>A (p.Glu2557=)

Gene: HTT (huntingtin; plus strand). Cytogenetic location: 4p16.3.
Variant type: single nucleotide variant.
Coding change: c.7671G>A on transcript NM_001388492.1 (MANE Select); coding-DNA position 7671, G replaced by A.
Protein change: p.Glu2557=; no amino-acid change (glutamic acid 2557 retained).
Molecular consequence: synonymous variant.
Genome position (GRCh38, 1-based): chr4:3,224,037, G>A. VCF-style: chr4-3224037-G-A. GRCh37 (hg19) VCF-style: chr4-3225764-G-A.
Other names: c.7677G>A, p.Glu2559= (NM_002111.8).
Identifiers: ClinVar variation 1655808 (VCV001655808.12), dbSNP rs138489139, ClinGen allele CA2825436.